The following is an entry in ClinVar:

ClinVar aggregate classification (germline): Uncertain significance. Review status: criteria provided, multiple submitters, no conflicts (2 of 4 stars). 2 submissions from 2 submitters: Uncertain significance (2). Last evaluated 2023-03-10.

Conditions:
Inborn genetic diseases. Identifiers: MedGen C0950123, MeSH D030342.

Allele frequency attached by ClinVar (database versions not stated): TOPMed 0.00005; gnomAD 0.00007; ExAC 0.00009; gnomAD exomes 0.00014.

Submissions (2):

Labcorp Genetics (formerly Invitae), Labcorp
Classification: Uncertain significance. Last evaluated: 2023-03-10. Review status: criteria provided, single submitter. Criteria: Invitae Variant Classification Sherloc (09022015). Collection method: clinical testing. Allele origin: germline.
Comment: In summary, the available evidence is currently insufficient to determine the role of this variant in disease. Therefore, it has been classified as a Variant of Uncertain Significance. Advanced modeling of protein sequence and biophysical properties (such as structural, functional, and spatial information, amino acid conservation, physicochemical variation, residue mobility, and thermodynamic stability) performed at Invitae indicates that this missense variant is expected to disrupt TELO2 protein function. This variant has not been reported in the literature in individuals affected with TELO2-related conditions. This variant is present in population databases (rs766646109, gnomAD 0.01%). This sequence change replaces tyrosine, which is neutral and polar, with cysteine, which is neutral and slightly polar, at codon 600 of the TELO2 protein (p.Tyr600Cys).

Ambry Genetics
Classification: Uncertain significance for Inborn genetic diseases. Last evaluated: 2023-02-23. Review status: criteria provided, single submitter. Criteria: Ambry Variant Classification Scheme 2023. Collection method: clinical testing. Allele origin: germline.

NM_016111.4(TELO2):c.1799A>G (p.Tyr600Cys)

Gene: TELO2 (telomere maintenance 2; plus strand). Cytogenetic location: 16p13.3.
Variant type: single nucleotide variant.
Coding change: c.1799A>G on transcript NM_016111.4 (MANE Select); coding-DNA position 1799, A replaced by G.
Protein change: p.Tyr600Cys; replaces tyrosine 600 with cysteine.
Molecular consequence: missense variant.
Genome position (GRCh38, 1-based): chr16:1,502,959, A>G. VCF-style: chr16-1502959-A-G. GRCh37 (hg19) VCF-style: chr16-1552960-A-G.
Other names: c.1799A>G, p.Tyr600Cys (NM_001351846.2); short protein forms Y600C.
Identifiers: ClinVar variation 2488167 (VCV002488167.3), dbSNP rs766646109, ClinGen allele CA7812340.